The following is an entry in ClinVar:

ClinVar aggregate classification (germline): Likely benign (1 of 4 stars; one submission).

gnomAD v4.1: 3 of 1,614,066 alleles (0.00019%); highest among the groups gnomAD compares: Non-Finnish European, 0.00025%; no homozygotes.

Submission:

CeGaT Center for Human Genetics Tuebingen
Classification: Likely benign. Last evaluated: 2025-03-01. Review status: criteria provided, single submitter. Criteria: CeGaT Center For Human Genetics Tuebingen Variant Classification Criteria Version 2. Collection method: clinical testing. Allele origin: germline. Affected: yes. Observed: 1 variant allele.
Comment: SPEN: BP4, BP7

NM_015001.3(SPEN):c.3387T>C (p.Val1129=)

Gene: SPEN (spen family transcriptional repressor; plus strand). Cytogenetic location: 1p36.13.
Variant type: single nucleotide variant.
Coding change: c.3387T>C on transcript NM_015001.3 (MANE Select); coding-DNA position 3387, T replaced by C.
Protein change: p.Val1129=; no amino-acid change (valine 1129 retained).
Molecular consequence: synonymous variant.
Genome position (GRCh38, 1-based): chr1:15,929,627, T>C. VCF-style: chr1-15929627-T-C. GRCh37 (hg19) VCF-style: chr1-16256122-T-C.
Identifiers: ClinVar variation 3778329 (VCV003778329.7).